The following is an entry in ClinVar:

ClinVar aggregate classification (germline): Uncertain significance (1 of 4 stars; one submission).

Submission:

GeneDx
Classification: Uncertain significance. Last evaluated: 2020-04-20. Review status: criteria provided, single submitter. Criteria: GeneDx Variant Classification Process June 2021. Collection method: clinical testing. Allele origin: germline. Affected: yes.
Comment: Not observed in large population cohorts (Lek et al., 2016); In silico analysis supports that this variant does not alter splicing; Has not been previously published as pathogenic or benign to our knowledge

NM_002024.6(FMR1):c.1332T>A (p.Ile444=)

Gene: FMR1 (fragile X messenger ribonucleoprotein 1; plus strand). Cytogenetic location: Xq27.3.
Variant type: single nucleotide variant.
Coding change: c.1332T>A on transcript NM_002024.6 (MANE Select); coding-DNA position 1332, T replaced by A.
Protein change: p.Ile444=; no amino-acid change (isoleucine 444 retained).
Molecular consequence: synonymous variant. On other transcripts: intron variant (2).
Genome position (GRCh38, 1-based): chrX:147,943,187, T>A. VCF-style: chrX-147943187-T-A. GRCh37 (hg19) VCF-style: chrX-147024707-T-A.
Other names: c.1269T>A, p.Ile423= (NM_001185076.2, NM_001185082.2); c.1276-1757T>A (NM_001185075.2); c.1213-1757T>A (NM_001185081.2).
Identifiers: ClinVar variation 450797 (VCV000450797.3), dbSNP rs1557181260, ClinGen allele CA518862117.
Genomic context (GRCh38, chrX:147,943,187, plus strand): 5'-ATAGGAAGTAGACCAGTTGCGTTTGGAGAGATTACAAATTGATGAGCAGTTGCGACAGAT[T>A]GGAGCTAGTTCTAGACCACCACCAAATCGTACAGATAAGGAAAAAAGCTATGTGACTGAT-3'
Protein context (NP_002015.1, residues 434-454): RLQIDEQLRQ[Ile444=]GASSRPPPNR